The following is an entry in ClinVar:

NM_015450.3(POT1):c.1064A>G (p.Lys355Arg)

Gene: POT1 (protection of telomeres 1; minus strand). Cytogenetic location: 7q31.33.
Variant type: single nucleotide variant.
Coding change: c.1064A>G on transcript NM_015450.3 (MANE Select); coding-DNA position 1064, A replaced by G.
Protein change: p.Lys355Arg; replaces lysine 355 with arginine.
Molecular consequence: missense variant. On other transcripts: non-coding transcript variant (3).
Genome position (GRCh38, 1-based): chr7:124,842,906, T>C on the plus strand (A>G on the coding strand, the complement: POT1 is on the minus strand). VCF-style: chr7-124842906-T-C. GRCh37 (hg19) VCF-style: chr7-124482960-T-C.
Other names: c.1064A>G (NM_015450.2); c.671A>G, p.Lys224Arg (NM_001042594.2); short protein forms K355R, K224R.
Identifiers: ClinVar variation 1972399 (VCV001972399.6), dbSNP rs2485402396, ClinGen allele CA369068463.

ClinVar aggregate classification (germline): Uncertain significance. Review status: criteria provided, multiple submitters, no conflicts (2 of 4 stars). 2 submissions from 2 submitters: Uncertain significance (2). Last evaluated 2023-12-14.

Conditions:
Tumor predisposition syndrome 3 (TPDS3). Also called: LONG TELOMERE SYNDROME, POT1-RELATED; POT1 Tumor Predisposition; Melanoma, cutaneous malignant, susceptibility to, 10; Glioma susceptibility 9. Identifiers: Orphanet 618, MedGen C4014476, MONDO:0014368, OMIM 615848.
Hereditary cancer-predisposing syndrome. Also called: Hereditary neoplastic syndrome; Neoplastic Syndromes, Hereditary; Tumor predisposition; Hereditary Cancer Syndrome. Identifiers: Orphanet 140162, MedGen C0027672, MeSH D009386, MONDO:0015356.

Submissions (2):

Ambry Genetics
Classification: Uncertain significance for Hereditary cancer-predisposing syndrome. Last evaluated: 2023-12-14. Review status: criteria provided, single submitter. Criteria: Ambry Variant Classification Scheme 2023. Collection method: clinical testing. Allele origin: germline.
Comment: The p.K355R variant (also known as c.1064A>G), located in coding exon 9 of the POT1 gene, results from an A to G substitution at nucleotide position 1064. The lysine at codon 355 is replaced by arginine, an amino acid with highly similar properties. This amino acid position is conserved. In addition, this alteration is predicted to be tolerated by in silico analysis. Since supporting evidence is limited at this time, the clinical significance of this alteration remains unclear.

Labcorp Genetics (formerly Invitae), Labcorp
Classification: Uncertain significance for Tumor predisposition syndrome 3. Last evaluated: 2022-05-10. Review status: criteria provided, single submitter. Criteria: Invitae Variant Classification Sherloc (09022015). Collection method: clinical testing. Allele origin: germline.
Comment: In summary, the available evidence is currently insufficient to determine the role of this variant in disease. Therefore, it has been classified as a Variant of Uncertain Significance. Algorithms developed to predict the effect of missense changes on protein structure and function (SIFT, PolyPhen-2, Align-GVGD) all suggest that this variant is likely to be tolerated. This variant has not been reported in the literature in individuals affected with POT1-related conditions. This variant is not present in population databases (gnomAD no frequency). This sequence change replaces lysine, which is basic and polar, with arginine, which is basic and polar, at codon 355 of the POT1 protein (p.Lys355Arg).